The following is an entry in ClinVar:

ClinVar aggregate classification (germline): Likely benign (1 of 4 stars; one submission).

Allele frequency attached by ClinVar (database versions not stated): gnomAD exomes 0.00084; gnomAD 0.00895 and 0.00966; 1000 Genomes Project 0.01078; 1000 Genomes Project 30x 0.01109; TOPMed 0.01121.
gnomAD v4.1: 2,539 of 1,498,214 alleles (0.17%); highest among the groups gnomAD compares: African/African-American, 3.1%; 40 homozygotes.

Submission:

GeneDx
Classification: Likely benign. Last evaluated: 2021-09-18. Review status: criteria provided, single submitter. Criteria: GeneDx Variant Classification Process June 2021. Collection method: clinical testing. Allele origin: germline. Affected: yes.
Comment: See Variant Classification Assertion Criteria.

NM_006946.4(SPTBN2):c.5565+58C>T

Gene: SPTBN2 (spectrin beta, non-erythrocytic 2; minus strand). Cytogenetic location: 11q13.2.
Variant type: single nucleotide variant.
Coding change: c.5565+58C>T on transcript NM_006946.4 (MANE Select); 58 bases into the intron after coding-DNA position 5565, C replaced by T.
Molecular consequence: intron variant.
Genome position (GRCh38, 1-based): chr11:66,691,226, G>A on the plus strand (C>T on the coding strand, the complement: SPTBN2 is on the minus strand). VCF-style: chr11-66691226-G-A. GRCh37 (hg19) VCF-style: chr11-66458697-G-A.
Identifiers: ClinVar variation 1700334 (VCV001700334.2), dbSNP rs112961673, ClinGen allele CA224078702.